The following is an entry in ClinVar:

NM_002645.4(PIK3C2A):c.4279G>A (p.Val1427Ile)

Gene: PIK3C2A (phosphatidylinositol-4-phosphate 3-kinase catalytic subunit type 2 alpha; minus strand). Cytogenetic location: 11p15.1.
Variant type: single nucleotide variant.
Coding change: c.4279G>A on transcript NM_002645.4 (MANE Select); coding-DNA position 4279, G replaced by A.
Protein change: p.Val1427Ile; replaces valine 1427 with isoleucine.
Molecular consequence: missense variant.
Genome position (GRCh38, 1-based): chr11:17,097,104, C>T on the plus strand (G>A on the coding strand, the complement: PIK3C2A is on the minus strand). VCF-style: chr11-17097104-C-T. GRCh37 (hg19) VCF-style: chr11-17118651-C-T.
Other names: c.4279G>A, p.Val1427Ile (NM_001321378.2); c.3139G>A, p.Val1047Ile (NM_001321380.2); c.4111G>A, p.Val1371Ile (NM_001386870.1); short protein forms V1427I, V1047I, V1371I.
Identifiers: ClinVar variation 1929483 (VCV001929483.5), dbSNP rs2493955515, ClinGen allele CA379758193.

ClinVar aggregate classification (germline): Uncertain significance (1 of 4 stars; one submission).

Allele frequency attached by ClinVar (database versions not stated): gnomAD exomes below 0.00001.
gnomAD v4.1: 5 of 1,607,658 alleles (0.00031%); highest among the groups gnomAD compares: Non-Finnish European, 0.00026%; no homozygotes.

Submission:

Labcorp Genetics (formerly Invitae), Labcorp
Classification: Uncertain significance. Last evaluated: 2022-04-20. Review status: criteria provided, single submitter. Criteria: Invitae Variant Classification Sherloc (09022015). Collection method: clinical testing. Allele origin: germline.
Comment: In summary, the available evidence is currently insufficient to determine the role of this variant in disease. Therefore, it has been classified as a Variant of Uncertain Significance. Algorithms developed to predict the effect of missense changes on protein structure and function are either unavailable or do not agree on the potential impact of this missense change (SIFT: "Not Available"; PolyPhen-2: "Benign"; Align-GVGD: "Not Available"). This variant has not been reported in the literature in individuals affected with PIK3C2A-related conditions. This variant is not present in population databases (gnomAD no frequency). This sequence change replaces valine, which is neutral and non-polar, with isoleucine, which is neutral and non-polar, at codon 1427 of the PIK3C2A protein (p.Val1427Ile).